The following is an entry in ClinVar:

NM_001330700.2(TOP2B):c.2365A>C (p.Ile789Leu)

Gene: TOP2B (DNA topoisomerase II beta; minus strand). Cytogenetic location: 3p24.2.
Variant type: single nucleotide variant.
Coding change: c.2365A>C on transcript NM_001330700.2 (MANE Select); coding-DNA position 2365, A replaced by C.
Protein change: p.Ile789Leu; replaces isoleucine 789 with leucine.
Molecular consequence: missense variant.
Genome position (GRCh38, 1-based): chr3:25,624,427, T>G on the plus strand (A>C on the coding strand, the complement: TOP2B is on the minus strand). VCF-style: chr3-25624427-T-G. GRCh37 (hg19) VCF-style: chr3-25665918-T-G.
Other names: c.2350A>C, p.Ile784Leu (NM_001068.3); c.2350A>C (NM_001068.2); short protein forms I784L, I789L.
Identifiers: ClinVar variation 1927407 (VCV001927407.6), dbSNP rs765406415, ClinGen allele CA2288499.
Genomic context (GRCh38, chr3:25,624,427, plus strand): 5'-CAATAGGCTGAAGCAAGTTAATGTTGTTACTTCCCACAAAGTTCTGAGCCAAATTCACAA[T>G]AGTCATCATCAATGCTTGCTATACAACAGAAGAAGGCAGAACATAACATTAATATTCTAA-3'
Protein context (NP_001317629.1, residues 779-799): HHGEQALMMT[Ile789Leu]VNLAQNFVGS

ClinVar aggregate classification (germline): Uncertain significance. Review status: criteria provided, multiple submitters, no conflicts (2 of 4 stars). 2 submissions from 2 submitters: Uncertain significance (2). Last evaluated 2024-01-16.

Allele frequency attached by ClinVar (database versions not stated): ExAC 0.00001.
gnomAD v4.1: 5 of 1,613,762 alleles (0.00031%); highest among the groups gnomAD compares: African/African-American, 0.0067%; no homozygotes.

Submissions (2):

Ambry Genetics
Classification: Uncertain significance. Last evaluated: 2024-01-16. Review status: criteria provided, single submitter. Criteria: Ambry Variant Classification Scheme 2023. Collection method: clinical testing. Allele origin: germline.

Labcorp Genetics (formerly Invitae), Labcorp
Classification: Uncertain significance. Last evaluated: 2022-06-17. Review status: criteria provided, single submitter. Criteria: Invitae Variant Classification Sherloc (09022015). Collection method: clinical testing. Allele origin: germline.
Comment: In summary, the available evidence is currently insufficient to determine the role of this variant in disease. Therefore, it has been classified as a Variant of Uncertain Significance. Algorithms developed to predict the effect of missense changes on protein structure and function are either unavailable or do not agree on the potential impact of this missense change (SIFT: "Deleterious"; PolyPhen-2: "Probably Damaging"; Align-GVGD: "Class C0"). This variant has not been reported in the literature in individuals affected with TOP2B-related conditions. This variant is present in population databases (rs765406415, gnomAD 0.02%). This sequence change replaces isoleucine, which is neutral and non-polar, with leucine, which is neutral and non-polar, at codon 784 of the TOP2B protein (p.Ile784Leu).